The following is an entry in ClinVar:

NM_001171.6(ABCC6):c.1755del (p.Phe586fs)

Gene: ABCC6 (ATP binding cassette subfamily C member 6; minus strand). Cytogenetic location: 16p13.11.
Variant type: Deletion.
Coding change: c.1755del on transcript NM_001171.6 (MANE Select); coding-DNA position 1755, one base deleted (C; older notation c.1755delC).
Protein change: p.Phe586fs; shifts the reading frame from phenylalanine 586.
Molecular consequence: frameshift variant. On other transcripts: non-coding transcript variant (1).
Genome position (GRCh38, 1-based): chr16:16,188,855, G deleted on the plus strand (C on the coding strand, the reverse complement: ABCC6 is on the minus strand); the first of 3 consecutive G bases (chr16:16,188,855-16,188,857); deleting any one gives the same sequence. VCF-style (leftmost placement, unchanged base first): chr16-16188854-AG-A. GRCh37 (hg19) VCF-style: chr16-16282711-AG-A.
Other names: c.1413del, p.Phe472fs (NM_001351800.1); short protein forms F586fs, F472fs.
Identifiers: ClinVar variation 2764901 (VCV002764901.3), dbSNP rs2047742790, ClinGen allele CA2210135915.

ClinVar aggregate classification (germline): Pathogenic (1 of 4 stars; one submission).

Submission:

Labcorp Genetics (formerly Invitae), Labcorp
Classification: Pathogenic. Last evaluated: 2023-12-05. Review status: criteria provided, single submitter. Criteria: Invitae Variant Classification Sherloc (09022015). Collection method: clinical testing. Allele origin: germline.
Comment: This sequence change creates a premature translational stop signal (p.Phe586Serfs*30) in the ABCC6 gene. It is expected to result in an absent or disrupted protein product. Loss-of-function variants in ABCC6 are known to be pathogenic (PMID: 11536079, 17617515). This variant is not present in population databases (gnomAD no frequency). This variant has not been reported in the literature in individuals affected with ABCC6-related conditions. For these reasons, this variant has been classified as Pathogenic.

Literature cited by the submitters: PubMed 11536079; PubMed 17617515.